The following is an entry in ClinVar:

ClinVar aggregate classification (germline): Likely benign. Review status: criteria provided, multiple submitters, no conflicts (2 of 4 stars). 2 submissions from 2 submitters: Likely benign (2). Last evaluated 2023-07-18.

Allele frequency attached by ClinVar (database versions not stated): ExAC 0.00005; TOPMed 0.00007; gnomAD 0.00014; gnomAD exomes 0.00014; ESP Exome Variant Server 0.00015.
gnomAD v4.1: 226 of 1,613,892 alleles (0.014%); highest among the groups gnomAD compares: Non-Finnish European, 0.017%; no homozygotes.

Submissions (2):

Labcorp Genetics (formerly Invitae), Labcorp
Classification: Likely benign. Last evaluated: 2023-07-18. Review status: criteria provided, single submitter. Criteria: Invitae Variant Classification Sherloc (09022015). Collection method: clinical testing. Allele origin: germline.

CeGaT Center for Human Genetics Tuebingen
Classification: Likely benign. Last evaluated: 2022-10-01. Review status: criteria provided, single submitter. Criteria: CeGaT Center For Human Genetics Tuebingen Variant Classification Criteria Version 2. Collection method: clinical testing. Allele origin: germline. Affected: yes. Observed: 1 variant allele.
Comment: GRM1: BP4, BP7

NM_001278064.2(GRM1):c.1092G>A (p.Arg364=)

Gene: GRM1 (glutamate metabotropic receptor 1; plus strand). Cytogenetic location: 6q24.3.
Variant type: single nucleotide variant.
Coding change: c.1092G>A on transcript NM_001278064.2 (MANE Select); coding-DNA position 1092, G replaced by A.
Protein change: p.Arg364=; no amino-acid change (arginine 364 retained).
Molecular consequence: synonymous variant.
Genome position (GRCh38, 1-based): chr6:146,304,752, G>A. VCF-style: chr6-146304752-G-A. GRCh37 (hg19) VCF-style: chr6-146625888-G-A.
Other names: c.1092G>A, p.Arg364= (NM_001278065.2, NM_001278066.1, NM_001278067.1).
Identifiers: ClinVar variation 2182914 (VCV002182914.28), dbSNP rs144403036, ClinGen allele CA4037218.